The following is an entry in ClinVar:

NM_001130823.3(DNMT1):c.2622C>T (p.Asp874=)

Gene: DNMT1 (DNA methyltransferase 1; minus strand). Cytogenetic location: 19p13.2.
Variant type: single nucleotide variant.
Coding change: c.2622C>T on transcript NM_001130823.3 (MANE Select); coding-DNA position 2622, C replaced by T.
Protein change: p.Asp874=; no amino-acid change (aspartic acid 874 retained).
Molecular consequence: synonymous variant.
Genome position (GRCh38, 1-based): chr19:10,148,982, G>A on the plus strand (C>T on the coding strand, the complement: DNMT1 is on the minus strand). VCF-style: chr19-10148982-G-A. GRCh37 (hg19) VCF-style: chr19-10259658-G-A.
Other names: c.2574C>T, p.Asp858= (NM_001318730.2, NM_001379.4); c.2259C>T, p.Asp753= (NM_001318731.2).
Identifiers: ClinVar variation 1101325 (VCV001101325.38), dbSNP rs375136816, ClinGen allele CA9187990.

ClinVar aggregate classification (germline): Likely benign. Review status: criteria provided, multiple submitters, no conflicts (2 of 4 stars). 4 submissions from 4 submitters: Likely benign (4). Last evaluated 2025-11-05.

Conditions:
Hereditary sensory neuropathy-deafness-dementia syndrome. Also called: HSN IE; NEUROPATHY, HEREDITARY SENSORY, WITH HEARING LOSS AND DEMENTIA; Hereditary sensory neuropathy type IE; Hereditary Sensory and Autonomic Neuropathy Type 1E (HSAN1E). Identifiers: Orphanet 456318, MedGen C3279885, MONDO:0013584, OMIM 614116.

Allele frequency attached by ClinVar (database versions not stated): gnomAD 0.00002; gnomAD exomes 0.00003 and 0.00005; TOPMed 0.00003; ExAC 0.00004; ESP Exome Variant Server 0.00008.

Submissions (4):

Labcorp Genetics (formerly Invitae), Labcorp
Classification: Likely benign for Hereditary sensory neuropathy-deafness-dementia syndrome. Last evaluated: 2025-11-05. Review status: criteria provided, single submitter. Criteria: Invitae Variant Classification Sherloc (09022015). Collection method: clinical testing. Allele origin: germline.

CeGaT Center for Human Genetics Tuebingen
Classification: Likely benign. Last evaluated: 2023-08-01. Review status: criteria provided, single submitter. Criteria: CeGaT Center For Human Genetics Tuebingen Variant Classification Criteria Version 2. Collection method: clinical testing. Allele origin: germline. Affected: yes. Observed: 2 variant alleles.
Comment: DNMT1: BP4, BP7

Blueprint Genetics
Classification: Likely benign. Last evaluated: 2021-12-16. Review status: criteria provided, single submitter. Criteria: ACMG Guidelines, 2015. Collection method: clinical testing. Allele origin: germline.

GeneDx
Classification: Likely benign. Last evaluated: 2019-10-09. Review status: criteria provided, single submitter. Criteria: GeneDx Variant Classification Process June 2021. Collection method: clinical testing. Allele origin: germline. Affected: yes.